The following is an entry in ClinVar:

NM_020533.3(MCOLN1):c.935_936insGG (p.Phe313fs)

Gene: MCOLN1 (mucolipin TRP cation channel 1; plus strand). Cytogenetic location: 19p13.2.
Variant type: Insertion.
Coding change: c.935_936insGG on transcript NM_020533.3 (MANE Select); coding-DNA positions 935 to 936, GG inserted.
Protein change: p.Phe313fs; shifts the reading frame from phenylalanine 313.
Molecular consequence: frameshift variant.
Genome position: GRCh38 VCF-style: chr19-7528654-C-CGG. GRCh37 (hg19) VCF-style: chr19-7593540-C-CGG.
Other names: short protein forms F313fs.
Identifiers: ClinVar variation 5011710 (VCV005011710.1).

ClinVar aggregate classification (germline): Pathogenic (1 of 4 stars; one submission).

Conditions:
Mucolipidosis type IV (ML4). Also called: ML IV. Identifiers: Orphanet 578, MedGen C0238286, MONDO:0009653, OMIM 252650.

Submission:

Myriad Genetics, Inc.
Classification: Pathogenic for Mucolipidosis type IV. Last evaluated: 2023-09-21. Review status: criteria provided, single submitter. Criteria: Myriad Autosomal Dominant, Autosomal Recessive and X-Linked Classification Criteria (2023). Collection method: clinical testing. Allele origin: unknown.
Comment: NM_020533.2(MCOLN1):c.935_936insGG(F313Afs*60) is expected to be pathogenic in the context of mucolipidosis IV. This variant is predicted to lead to an abnormal or absent protein product due to the creation of a premature termination codon in MCOLN1, a gene where loss-of-function variants are known to be pathogenic. Please note: this variant was assessed in the context of healthy population screening.